The following is an entry in ClinVar:

ClinVar aggregate classification (germline): Conflicting classifications of pathogenicity. Review status: criteria provided, conflicting classifications (1 of 4 stars). 6 submissions from 6 submitters: Uncertain significance (4); Likely benign (2). Last evaluated 2026-04-24.

Conditions:
Cardiomyopathy (CMYO). Also called: Cardiomyopathies. Identifiers: Orphanet 167848, MedGen C0878544, MONDO:0004994, HP:0001638. Inheritance: Various modes of inheritance.
Arrhythmogenic right ventricular dysplasia 11. Also called: Arrhythmogenic right ventricular dysplasia 11 with mild palmoplantar keratoderma and woolly hair; Arrhythmogenic Right Ventricular Dysplasia/Cardiomyopathy11; ARRHYTHMOGENIC RIGHT VENTRICULAR DYSPLASIA, FAMILIAL, 11. Identifiers: MedGen C1864850, MONDO:0012506, OMIM 610476.
Cardiovascular phenotype. Identifiers: MedGen CN230736.

Allele frequency attached by ClinVar (database versions not stated): gnomAD exomes below 0.00001; TOPMed 0.00001; gnomAD 0.00002.
gnomAD v4.1: 6 of 1,612,756 alleles (0.00037%); highest among the groups gnomAD compares: African/African-American, 0.0067%; no homozygotes.

Submissions (6):

Women's Health and Genetics/Laboratory Corporation of America, LabCorp
Classification: Uncertain significance. Last evaluated: 2026-04-24. Review status: criteria provided, single submitter. Criteria: LabCorp Variant Classification Summary - May 2015. Collection method: clinical testing. Allele origin: germline.

Color Diagnostics, LLC DBA Color Health
Classification: Likely benign for Cardiomyopathy. Last evaluated: 2025-08-25. Review status: criteria provided, single submitter. Criteria: ACMG Guidelines, 2015. Collection method: clinical testing. Allele origin: germline.

Ambry Genetics
Classification: Likely benign for Cardiovascular phenotype. Last evaluated: 2025-08-12. Review status: criteria provided, single submitter. Criteria: Ambry Variant Classification Scheme 2023. Collection method: clinical testing. Allele origin: germline.

Labcorp Genetics (formerly Invitae), Labcorp
Classification: Uncertain significance for Arrhythmogenic right ventricular dysplasia 11. Last evaluated: 2024-09-25. Review status: criteria provided, single submitter. Criteria: Invitae Variant Classification Sherloc (09022015). Collection method: clinical testing. Allele origin: germline.
Comment: This sequence change replaces glycine, which is neutral and non-polar, with glutamic acid, which is acidic and polar, at codon 556 of the DSC2 protein (p.Gly556Glu). This variant is present in population databases (no rsID available, gnomAD 0.01%). This variant has not been reported in the literature in individuals affected with DSC2-related conditions. ClinVar contains an entry for this variant (Variation ID: 1434979). An algorithm developed to predict the effect of missense changes on protein structure and function outputs the following: PolyPhen-2: "Benign". The glutamic acid amino acid residue is found in multiple mammalian species, which suggests that this missense change does not adversely affect protein function. In summary, the available evidence is currently insufficient to determine the role of this variant in disease. Therefore, it has been classified as a Variant of Uncertain Significance.

GeneDx
Classification: Uncertain significance. Last evaluated: 2022-05-10. Review status: criteria provided, single submitter. Criteria: GeneDx Variant Classification Process June 2021. Collection method: clinical testing. Allele origin: germline. Affected: yes.
Comment: Not observed at significant frequency in large population cohorts (gnomAD); In silico analysis supports that this missense variant has a deleterious effect on protein structure/function; Has not been previously published as pathogenic or benign to our knowledge

Fulgent Genetics
Classification: Uncertain significance for Arrhythmogenic right ventricular dysplasia 11. Last evaluated: 2021-09-28. Review status: criteria provided, single submitter. Criteria: ACMG Guidelines, 2015. Collection method: clinical testing. Allele origin: unknown.

NM_024422.6(DSC2):c.1667G>A (p.Gly556Glu)

Gene: DSC2 (desmocollin 2; minus strand). Cytogenetic location: 18q12.1.
Variant type: single nucleotide variant.
Coding change: c.1667G>A on transcript NM_024422.6 (MANE Select); coding-DNA position 1667, G replaced by A.
Protein change: p.Gly556Glu; replaces glycine 556 with glutamic acid.
Molecular consequence: missense variant.
Genome position (GRCh38, 1-based): chr18:31,074,904, C>T on the plus strand (G>A on the coding strand, the complement: DSC2 is on the minus strand). VCF-style: chr18-31074904-C-T. GRCh37 (hg19) VCF-style: chr18-28654870-C-T.
Other names: c.1667G>A, p.Gly556Glu (NM_004949.5); short protein forms G556E.
Identifiers: ClinVar variation 1434979 (VCV001434979.12), dbSNP rs977269905, ClinGen allele CA297691029.